The following is an entry in ClinVar:

NM_001267550.2(TTN):c.57698del (p.Pro19233fs)

Genes: TTN (titin; minus strand), TTN-AS1 (TTN antisense RNA 1; plus strand). Cytogenetic location: 2q31.2.
Variant type: Deletion.
Coding change: c.57698del on transcript NM_001267550.2 (MANE Select); coding-DNA position 57698, one base deleted (C; older notation c.57698delC).
Protein change: p.Pro19233fs; shifts the reading frame from proline 19233.
Molecular consequence: frameshift variant.
Genome position (GRCh38, 1-based): chr2:178,595,656, G deleted on the plus strand (C on the coding strand, the reverse complement: TTN is on the minus strand); the first of 4 consecutive G bases (chr2:178,595,656-178,595,659); deleting any one gives the same sequence. VCF-style (leftmost placement, unchanged base first): chr2-178595655-TG-T. GRCh37 (hg19) VCF-style: chr2-179460382-TG-T.
Other names: c.52775del, p.Pro17592fs (NM_001256850.1); c.30503del, p.Pro10168fs (NM_003319.4); c.49994del, p.Pro16665fs (NM_133378.4); c.30878del, p.Pro10293fs (NM_133432.3); c.31079del, p.Pro10360fs (NM_133437.4); short protein forms P10168fs, P10293fs, P10360fs, P16665fs, P17592fs, P19233fs.
Identifiers: ClinVar variation 3756385 (VCV003756385.2).

ClinVar aggregate classification (germline): Likely pathogenic (1 of 4 stars; one submission).

Conditions:
Dilated cardiomyopathy 1G (CMD1G). Identifiers: Orphanet 154, MedGen C1858763, MONDO:0011400, OMIM 604145.
Autosomal recessive limb-girdle muscular dystrophy type 2J (LGMDR10). Also called: Limb-girdle muscular dystrophy, type 2J; MUSCULAR DYSTROPHY, LIMB-GIRDLE, AUTOSOMAL RECESSIVE 10. Identifiers: Orphanet 140922, MedGen C1837342, MONDO:0012127, OMIM 608807.

Submission:

Labcorp Genetics (formerly Invitae), Labcorp
Classification: Likely pathogenic for Dilated cardiomyopathy 1G; Autosomal recessive limb-girdle muscular dystrophy type 2J. Last evaluated: 2024-07-26. Review status: criteria provided, single submitter. Criteria: Invitae Variant Classification Sherloc (09022015). Collection method: clinical testing. Allele origin: germline.
Comment: This sequence change creates a premature translational stop signal (p.Pro19233Glnfs*2) in the TTN gene. While this is not anticipated to result in nonsense mediated decay, it is expected to create a truncated TTN protein. This variant is not present in population databases (gnomAD no frequency). This variant has not been reported in the literature in individuals affected with TTN-related conditions. This variant is located in the A band of TTN (PMID: 25589632). Truncating variants in this region are significantly overrepresented in patients affected with dilated cardiomyopathy (PMID: 25589632). Truncating variants in this region have also been reported in individuals affected with autosomal recessive centronuclear myopathy (PMID: 23975875). In summary, the currently available evidence indicates that the variant is pathogenic, but additional data are needed to prove that conclusively. Therefore, this variant has been classified as Likely Pathogenic.

Literature cited by the submitters: PubMed 25589632; PubMed 23975875.